The following is an entry in ClinVar:

ClinVar aggregate classification (germline): Uncertain significance. Review status: criteria provided, multiple submitters, no conflicts (2 of 4 stars). 2 submissions from 2 submitters: Uncertain significance (2). Last evaluated 2025-02-13.

Conditions:
Autosomal dominant Robinow syndrome 1. Also called: ACRAL DYSOSTOSIS WITH FACIAL AND GENITAL ABNORMALITIES; WNT5A-Related Robinow Syndrome, Autosomal Dominant; FETAL FACE SYNDROME; ROBINOW DWARFISM; Covesdem syndrome (formerly); Costovertebral segmentation defect with mesomelia (formerly). Identifiers: Orphanet 3107, Orphanet 97360, MedGen C4551475, MONDO:0024455, OMIM 180700.

gnomAD v4.1: 28 of 1,613,936 alleles (0.0017%); highest among the groups gnomAD compares: Admixed American, 0.013%; no homozygotes.

Submissions (2):

Labcorp Genetics (formerly Invitae), Labcorp
Classification: Uncertain significance. Last evaluated: 2025-02-13. Review status: criteria provided, single submitter. Criteria: Invitae Variant Classification Sherloc (09022015). Collection method: clinical testing. Allele origin: germline.
Comment: This sequence change replaces isoleucine, which is neutral and non-polar, with valine, which is neutral and non-polar, at codon 93 of the WNT5A protein (p.Ile93Val). This variant is present in population databases (rs750646727, gnomAD 0.01%). This variant has not been reported in the literature in individuals affected with WNT5A-related conditions. ClinVar contains an entry for this variant (Variation ID: 3589488). Invitae Evidence Modeling of protein sequence and biophysical properties (such as structural, functional, and spatial information, amino acid conservation, physicochemical variation, residue mobility, and thermodynamic stability) indicates that this missense variant is not expected to disrupt WNT5A protein function with a negative predictive value of 80%. In summary, the available evidence is currently insufficient to determine the role of this variant in disease. Therefore, it has been classified as a Variant of Uncertain Significance.

Fulgent Genetics
Classification: Uncertain significance for Autosomal dominant Robinow syndrome 1. Last evaluated: 2024-04-09. Review status: criteria provided, single submitter. Criteria: ACMG Guidelines, 2015. Collection method: clinical testing. Allele origin: germline.

NM_003392.7(WNT5A):c.277A>G (p.Ile93Val)

Gene: WNT5A (Wnt family member 5A; minus strand). Cytogenetic location: 3p14.3.
Variant type: single nucleotide variant.
Coding change: c.277A>G on transcript NM_003392.7 (MANE Select); coding-DNA position 277, A replaced by G.
Protein change: p.Ile93Val; replaces isoleucine 93 with valine.
Molecular consequence: missense variant.
Genome position (GRCh38, 1-based): chr3:55,479,428, T>C on the plus strand (A>G on the coding strand, the complement: WNT5A is on the minus strand). VCF-style: chr3-55479428-T-C. GRCh37 (hg19) VCF-style: chr3-55513456-T-C.
Other names: c.232A>G, p.Ile78Val (NM_001256105.1, NM_001377271.1, NM_001377272.1); short protein forms I78V, I93V.
Identifiers: ClinVar variation 3589488 (VCV003589488.3).
Genomic context (GRCh38, chr3:55,479,428, plus strand): 5'-ACCTTCGATGTCGGAATTGATACTGGCATTCTTTGATGCCTGTCTTCGCGCCTTCTCCGA[T>C]GTACTGCATGTGGTCCTGATACAAGTGGCACAGTTTCTTCTGTCCTTGAGAAAGTCCTGC-3'
Protein context (NP_003383.4, residues 83-103): CHLYQDHMQY[Ile93Val]GEGAKTGIKE